The following is an entry in ClinVar:

NM_003482.4(KMT2D):c.3130C>T (p.Pro1044Ser)

Gene: KMT2D (lysine methyltransferase 2D; minus strand). Cytogenetic location: 12q13.12.
Variant type: single nucleotide variant.
Coding change: c.3130C>T on transcript NM_003482.4 (MANE Select); coding-DNA position 3130, C replaced by T.
Protein change: p.Pro1044Ser; replaces proline 1044 with serine.
Molecular consequence: missense variant.
Genome position (GRCh38, 1-based): chr12:49,050,458, G>A on the plus strand (C>T on the coding strand, the complement: KMT2D is on the minus strand). VCF-style: chr12-49050458-G-A. GRCh37 (hg19) VCF-style: chr12-49444241-G-A.
Other names: short protein forms P1044S.
Identifiers: ClinVar variation 4801254 (VCV004801254.1).
Genomic context (GRCh38, chr12:49,050,458, plus strand): 5'-CCCCCACTACCTTCCCTATGGGACTCAACGGGGAGGGAACGGACAGTGGTAGGGCAGGAG[G>A]AGAGCACTGGGAAGGAGGGGAGTTTTGGGGAACCAGGGAATGCTGAAGGAGTGGCGAACA-3'
Protein context (NP_003473.3, residues 1034-1054): PQNSPPSQCS[Pro1044Ser]PALPLSVPSP

ClinVar aggregate classification (germline): Uncertain significance (1 of 4 stars; one submission).

Conditions:
Kabuki syndrome. Also called: NIIKAWA-KUROKI SYNDROME; Kabuki make-up syndrome. Identifiers: Orphanet 2322, MedGen C0796004, MONDO:0016512.

gnomAD v4.1: 1 of 1,613,982 alleles (0.000062%); highest among the groups gnomAD compares: Non-Finnish European, 0.000085%; no homozygotes.

Submission:

Labcorp Genetics (formerly Invitae), Labcorp
Classification: Uncertain significance for Kabuki syndrome. Last evaluated: 2025-12-09. Review status: criteria provided, single submitter. Criteria: Invitae Variant Classification Sherloc (09022015). Collection method: clinical testing. Allele origin: germline.
Comment: This sequence change replaces proline, which is neutral and non-polar, with serine, which is neutral and polar, at codon 1044 of the KMT2D protein (p.Pro1044Ser). This variant is not present in population databases (gnomAD no frequency). This variant has not been reported in the literature in individuals affected with KMT2D-related conditions. Invitae Evidence Modeling of protein sequence and biophysical properties (such as structural, functional, and spatial information, amino acid conservation, physicochemical variation, residue mobility, and thermodynamic stability) indicates that this missense variant is not expected to disrupt KMT2D protein function with a negative predictive value of 95%. In summary, the available evidence is currently insufficient to determine the role of this variant in disease. Therefore, it has been classified as a Variant of Uncertain Significance.